The following is an entry in ClinVar:

NM_001349338.3(FOXP1):c.1482G>A (p.Trp494Ter)

Genes: FOXP1 (forkhead box P1; minus strand), LOC126806714 (BRD4-independent group 4 enhancer GRCh37_chr3:71025197-71026396; plus strand). Cytogenetic location: 3p13.
Variant type: single nucleotide variant.
Coding change: c.1482G>A on transcript NM_001349338.3 (MANE Select); coding-DNA position 1482, G replaced by A.
Protein change: p.Trp494Ter; replaces tryptophan 494 with a stop codon.
Molecular consequence: nonsense. On other transcripts: non-coding transcript variant (2).
Genome position (GRCh38, 1-based): chr3:70,976,989, C>T on the plus strand (G>A on the coding strand, the complement: FOXP1 is on the minus strand). VCF-style: chr3-70976989-C-T. GRCh37 (hg19) VCF-style: chr3-71026140-C-T.
Other names: c.1479G>A, p.Trp493Ter (NM_001244808.3, NM_001349341.3); c.1482G>A, p.Trp494Ter (NM_001244810.2, NM_001244814.3, NM_001244816.2 and 3 more transcripts); c.1254G>A, p.Trp418Ter (NM_001244812.3); c.1182G>A, p.Trp394Ter (NM_001244813.3, NM_001244815.2, NM_001349342.3); c.1179G>A, p.Trp393Ter (NM_001349337.2, NM_001349343.3, NM_001349344.3 and 1 more transcripts); short protein forms W493*, W494*, W418*, W394*, W393*.
Identifiers: ClinVar variation 2824319 (VCV002824319.3), dbSNP rs2107298337, ClinGen allele CA353492882.

ClinVar aggregate classification (germline): Pathogenic (1 of 4 stars; one submission).

Submission:

Labcorp Genetics (formerly Invitae), Labcorp
Classification: Pathogenic. Last evaluated: 2023-01-17. Review status: criteria provided, single submitter. Criteria: Invitae Variant Classification Sherloc (09022015). Collection method: clinical testing. Allele origin: germline.
Comment: For these reasons, this variant has been classified as Pathogenic. This variant has not been reported in the literature in individuals affected with FOXP1-related conditions. This variant is not present in population databases (gnomAD no frequency). This sequence change creates a premature translational stop signal (p.Trp494*) in the FOXP1 gene. It is expected to result in an absent or disrupted protein product. Loss-of-function variants in FOXP1 are known to be pathogenic (PMID: 28735298).

Literature cited by the submitters: PubMed 28735298.